The following is an entry in ClinVar:

ClinVar aggregate classification (germline): Uncertain significance. Review status: criteria provided, multiple submitters, no conflicts (2 of 4 stars). 14 submissions from 14 submitters: Uncertain significance (11). 3 of the submissions do not count toward it. Last evaluated 2026-01-05.

Conditions:
BRCA2-related cancer predisposition. Identifiers: MedGen CN377758, MONDO:0700269.
BRCA2-related disorder. Also called: BRCA2-related condition; BRCA2-related disorders. Identifiers: MedGen CN239275.
Hereditary cancer-predisposing syndrome. Also called: Neoplastic Syndromes, Hereditary; Hereditary neoplastic syndrome; Tumor predisposition; Hereditary Cancer Syndrome. Identifiers: Orphanet 140162, MedGen C0027672, MeSH D009386, MONDO:0015356.
Hereditary breast ovarian cancer syndrome. Also called: Hereditary breast and ovarian cancer; Hereditary breast and ovarian cancer syndrome (HBOC); Hereditary breast and ovarian cancer syndrome; Breast and ovarian cancer; Hereditary breast and/or ovarian cancer syndrome; BRCA1- and BRCA2-Associated Hereditary Breast and Ovarian Cancer. Identifiers: Orphanet 145, MedGen C0677776, MeSH D061325, MONDO:0003582. Disease mechanism: loss of function.
Breast-ovarian cancer, familial, susceptibility to, 2 (BROVCA2). Also called: BRCA2 Hereditary Breast and Ovarian Cancer. Identifiers: Orphanet 145, MedGen C2675520, MONDO:0012933, OMIM 612555. Disease mechanism: loss of function.
Familial cancer of breast. Also called: Hereditary breast cancer; BREAST CANCER, FAMILIAL; hereditary breast carcinoma. Identifiers: Orphanet 227535, MedGen C0346153, MONDO:0016419, OMIM 114480. Disease mechanism: loss of function.

Allele frequency attached by ClinVar (database versions not stated): TOPMed 0.00001.

Submissions 1 to 9 of 14:

Labcorp Genetics (formerly Invitae), Labcorp
Classification: Uncertain significance for Hereditary breast ovarian cancer syndrome. Last evaluated: 2026-01-05. Review status: criteria provided, single submitter. Criteria: Invitae Variant Classification Sherloc (09022015). Collection method: clinical testing. Allele origin: germline.
Comment: This sequence change replaces glutamine, which is neutral and polar, with leucine, which is neutral and non-polar, at codon 147 of the BRCA2 protein (p.Gln147Leu). This variant is present in population databases (rs80358674, gnomAD 0.0009%). This missense change has been observed in individual(s) with breast cancer (PMID: 25186627). ClinVar contains an entry for this variant (Variation ID: 37900). Invitae Evidence Modeling of protein sequence and biophysical properties (such as structural, functional, and spatial information, amino acid conservation, physicochemical variation, residue mobility, and thermodynamic stability) indicates that this missense variant is not expected to disrupt BRCA2 protein function with a negative predictive value of 95%. Experimental studies are conflicting or provide insufficient evidence to determine the effect of this variant on BRCA2 function (PMID: 30883759). In summary, the available evidence is currently insufficient to determine the role of this variant in disease. Therefore, it has been classified as a Variant of Uncertain Significance.

Ambry Genetics
Classification: Uncertain significance for Hereditary cancer-predisposing syndrome. Last evaluated: 2025-11-07. Review status: criteria provided, single submitter. Criteria: Ambry Variant Classification Scheme 2023. Collection method: clinical testing. Allele origin: germline.
Comment: The p.Q147L variant (also known as c.440A>T), located in coding exon 4 of the BRCA2 gene, results from an A to T substitution at nucleotide position 440. The glutamine at codon 147 is replaced by leucine, an amino acid with dissimilar properties. This amino acid position is poorly conserved in available vertebrate species. In addition, this alteration is predicted to be tolerated by in silico analysis. Based on the available evidence, the clinical significance of this variant remains unclear.

Dasa
Classification: Uncertain significance for Breast-ovarian cancer, familial, susceptibility to, 2. Last evaluated: 2025-10-14. Review status: criteria provided, single submitter. Criteria: DASA Assertion Criteria. Collection method: clinical testing. Allele origin: germline.
Comment: NM_000059.4(BRCA2):c.440A>T (p.Gln147Leu) is a missense variant that results in the substitution of glutamine with leucine. This variant is rare in population databases. The currently available literature and clinical evidence are not sufficient to establish a definitive association between this variant and the reported condition. Therefore, this variant is classified as a variant of uncertain significance.

Women's Health and Genetics/Laboratory Corporation of America, LabCorp
Classification: Uncertain significance. Last evaluated: 2025-08-29. Review status: criteria provided, single submitter. Criteria: LabCorp Variant Classification Summary - May 2015. Collection method: clinical testing. Allele origin: germline.
Comment: Variant summary: BRCA2 c.440A>T (p.Gln147Leu) results in a non-conservative amino acid change in the encoded protein sequence. Algorithms developed to predict the effect of missense changes on protein structure and function are either unavailable or do not agree on the potential impact of this missense change. The variant allele was found at a frequency of 8e-06 in 250964 control chromosomes. The available data on variant occurrences in the general population are insufficient to allow any conclusion about variant significance. c.440A>T has been reported in the literature in individuals affected with Hereditary Breast and Ovarian Cancer (Tung_2014). This report does not provide unequivocal conclusions about association of the variant with Hereditary Breast and Ovarian Cancer. One publication reports experimental evidence that this variant might affect mRNA splicing via a combined effect of Exon Splicing Enhancer disruption and Exonic Splicing Silencers creation in a large-scale minigene system (Fraile-Bethencourt_2019). However, such effect is less notable when compared with WT. The following publications have been ascertained in the context of this evaluation (PMID: 30883759, 25186627). ClinVar contains an entry for this variant (Variation ID: 37900). Based on the evidence outlined above, the variant was classified as uncertain significance.

Department of Pathology and Laboratory Medicine, Sinai Health System
Classification: Uncertain significance for BRCA2-related cancer predisposition. Last evaluated: 2024-10-01. Review status: criteria provided, single submitter. Criteria: ACMG Guidelines, 2015. Collection method: clinical testing. Allele origin: germline.

All of Us Research Program, National Institutes of Health
Classification: Uncertain significance for BRCA2-related cancer predisposition. Last evaluated: 2024-05-17. Review status: criteria provided, single submitter. Criteria: ACMG Guidelines, 2015. Collection method: clinical testing. Allele origin: germline. Inheritance: Autosomal dominant inheritance. Observed: 2 variant alleles, 2 heterozygotes.
Comment: This missense variant replaces glutamine with leucine at codon 147 of the BRCA2 protein. Computational prediction tool suggests that this variant may not impact protein structure and function (internally defined REVEL score threshold <=0.5, PMID: 27666373). An RNA study suggests that this variant does not significantly impact splicing (PMID: 30883759). To our knowledge, functional studies have not been performed for this variant. This variant has been reported in at least two individuals affected with breast cancer (PMID: 25186627, 33471991; Leiden Open Variation Database DB-ID BRCA2_001583). A multifactorial analysis has reported segregation and family history likelihood ratios for pathogenicity based on one pedigree of 0.5353 and 0.7695, respectively (PMID: 31131967). This variant has been identified in 2/250964 chromosomes in the general population by the Genome Aggregation Database (gnomAD). The available evidence is insufficient to determine the role of this variant in disease conclusively. Therefore, this variant is classified as a Variant of Uncertain Significance.

This study involves interpretation of variants in research participants for the purpose of population health screening. Participant phenotype was not available at the time of variant classification. Additional details can be found in publication PMID: 35346344, PMCID: PMC8962531

Baylor Genetics
Classification: Uncertain significance for Familial cancer of breast. Last evaluated: 2023-09-19. Review status: criteria provided, single submitter. Criteria: ACMG Guidelines, 2015. Collection method: clinical testing. Allele origin: unknown.

Color Diagnostics, LLC DBA Color Health
Classification: Uncertain significance for Hereditary cancer-predisposing syndrome. Last evaluated: 2023-08-02. Review status: criteria provided, single submitter. Criteria: ACMG Guidelines, 2015. Collection method: clinical testing. Allele origin: germline.
Comment: This missense variant replaces glutamine with leucine at codon 147 of the BRCA2 protein. Computational prediction tool suggests that this variant may not impact protein structure and function (internally defined REVEL score threshold <=0.5, PMID: 27666373). An RNA study suggests that this variant does not significantly impact splicing (PMID: 30883759). To our knowledge, functional studies have not been performed for this variant. This variant has been reported in at least two individuals affected with breast cancer (PMID: 25186627, 33471991; Leiden Open Variation Database DB-ID BRCA2_001583). A multifactorial analysis has reported segregation and family history likelihood ratios for pathogenicity based on one pedigree of 0.5353 and 0.7695, respectively (PMID: 31131967). This variant has been identified in 2/250964 chromosomes in the general population by the Genome Aggregation Database (gnomAD). The available evidence is insufficient to determine the role of this variant in disease conclusively. Therefore, this variant is classified as a Variant of Uncertain Significance.

Quest Diagnostics Nichols Institute San Juan Capistrano
Classification: Uncertain significance. Last evaluated: 2022-09-22. Review status: criteria provided, single submitter. Criteria: Quest Diagnostics criteria. Collection method: clinical testing. Allele origin: unknown.
Comment: The frequency of this variant in the general population, 0.000008 (2/250964 chromosomes), is uninformative in assessment of its pathogenicity. In the published literature, the variant has been reported in individuals with breast cancer (PMID: 33471991 (2021), 25186627 (2015, see also see also LOVD). A multifactorial analysis study has reported that this variant is likely not pathogenic (PMID: 31131967 (2019)). Analysis of this variant using bioinformatics tools for the prediction of the effect of amino acid changes on protein structure and function yielded predictions that this variant is benign. Based on the available information, we are unable to determine the clinical significance of this variant.

NM_000059.4(BRCA2):c.440A>T (p.Gln147Leu)

Gene: BRCA2 (BRCA2 DNA repair associated; plus strand). Cytogenetic location: 13q13.1.
Variant type: single nucleotide variant.
Coding change: c.440A>T on transcript NM_000059.4 (MANE Select); coding-DNA position 440, A replaced by T.
Protein change: p.Gln147Leu; replaces glutamine 147 with leucine.
Molecular consequence: missense variant.
Genome position (GRCh38, 1-based): chr13:32,326,115, A>T. VCF-style: chr13-32326115-A-T. GRCh37 (hg19) VCF-style: chr13-32900252-A-T.
Other names: 668A>T; short protein forms Q147L.
Identifiers: ClinVar variation 37900 (VCV000037900.35), dbSNP rs80358674, ClinGen allele CA020123.